The following is an entry in ClinVar:

NM_007325.5(GRIA3):c.1982T>C (p.Met661Thr)

Gene: GRIA3 (glutamate ionotropic receptor AMPA type subunit 3; plus strand). Cytogenetic location: Xq25.
Variant type: single nucleotide variant.
Coding change: c.1982T>C on transcript NM_007325.5 (MANE Select); coding-DNA position 1982, T replaced by C.
Protein change: p.Met661Thr; replaces methionine 661 with threonine.
Molecular consequence: missense variant.
Genome position (GRCh38, 1-based): chrX:123,428,045, T>C. VCF-style: chrX-123428045-T-C. GRCh37 (hg19) VCF-style: chrX-122561896-T-C.
Other names: c.1982T>C, p.Met661Thr (NM_000828.5); short protein forms M661T.
Identifiers: ClinVar variation 2064199 (VCV002064199.4), dbSNP rs2521237781, ClinGen allele CA414259922.
Genomic context (GRCh38, chrX:123,428,045, plus strand): 5'-CCCTGATCATAATTTCTTCCTATACTGCCAATCTCGCTGCTTTCCTGACTGTGGAGAGGA[T>C]GGTTTCTCCCATAGAGAGTGCTGAAGACTTAGCTAAACAGACTGAAATTGCATATGGGAC-3'
Protein context (NP_015564.5, residues 651-671): NLAAFLTVER[Met661Thr]VSPIESAEDL

ClinVar aggregate classification (germline): Pathogenic (1 of 4 stars; one submission).

Submission:

Labcorp Genetics (formerly Invitae), Labcorp
Classification: Pathogenic. Last evaluated: 2025-09-08. Review status: criteria provided, single submitter. Criteria: Invitae Variant Classification Sherloc (09022015). Collection method: clinical testing. Allele origin: germline.
Comment: This sequence change replaces methionine, which is neutral and non-polar, with threonine, which is neutral and polar, at codon 661 of the GRIA3 protein (p.Met661Thr). This variant is not present in population databases (gnomAD no frequency). This missense change has been observed in individual(s) with clinical features of X-linked dominant GRIA3-related conditions (PMID: 36726007; internal data). In at least one individual the variant was observed to be de novo. ClinVar contains an entry for this variant (Variation ID: 2064199). Invitae Evidence Modeling of protein sequence and biophysical properties (such as structural, functional, and spatial information, amino acid conservation, physicochemical variation, residue mobility, and thermodynamic stability) indicates that this missense variant is not expected to disrupt GRIA3 protein function with a negative predictive value of 80%. For these reasons, this variant has been classified as Pathogenic.

Literature cited by the submitters: PubMed 36726007.